The following is an entry in ClinVar:

NM_001040142.2(SCN2A):c.3506C>A (p.Ala1169Asp)

Gene: SCN2A (sodium voltage-gated channel alpha subunit 2; plus strand). Cytogenetic location: 2q24.3.
Variant type: single nucleotide variant.
Coding change: c.3506C>A on transcript NM_001040142.2 (MANE Select); coding-DNA position 3506, C replaced by A.
Protein change: p.Ala1169Asp; replaces alanine 1169 with aspartic acid.
Molecular consequence: missense variant.
Genome position (GRCh38, 1-based): chr2:165,365,249, C>A. VCF-style: chr2-165365249-C-A. GRCh37 (hg19) VCF-style: chr2-166221759-C-A.
Other names: c.3506C>A, p.Ala1169Asp (NM_001040143.2, NM_001371246.1, NM_001371247.1 and 1 more transcripts); short protein forms A1169D.
Identifiers: ClinVar variation 2663100 (VCV002663100.3), dbSNP rs951196379, ClinGen allele CA349025039.
Genomic context (GRCh38, chr2:165,365,249, plus strand): 5'-GAGCTCCCGCCGAGGGAGAACAGCCTGAGGTTGAACCTGAGGAATCCCTTGAACCTGAAG[C>A]CTGTTTTACAGAAGGTAAGCAAAACAATAACATATGTGGTCTTGAGTATCCTCTTTTCTA-3'
Protein context (NP_001035232.1, residues 1159-1179): VEPEESLEPE[Ala1169Asp]CFTEDCVRKF

ClinVar aggregate classification (germline): Uncertain significance. Review status: criteria provided, multiple submitters, no conflicts (2 of 4 stars). 2 submissions from 2 submitters: Uncertain significance (2). Last evaluated 2026-07-13.

Conditions:
Seizures, benign familial infantile, 3 (BFIS3). Also called: Familial neonatal seizures; CONVULSIONS, BENIGN FAMILIAL INFANTILE, 3. Identifiers: Orphanet 140927, Orphanet 306, MedGen C1843140, MONDO:0011904, OMIM 607745.
Developmental and epileptic encephalopathy, 11 (DEE11). Also called: Early infantile epileptic encephalopathy 11. Identifiers: Orphanet 1934, MedGen C3150987, MONDO:0013388, OMIM 613721.

Allele frequency attached by ClinVar (database versions not stated): TOPMed below 0.00001.
gnomAD v4.1: 3 of 1,613,800 alleles (0.00019%); highest among the groups gnomAD compares: South Asian, 0.0011%; no homozygotes.

Submissions (2):

GeneDx
Classification: Uncertain significance. Last evaluated: 2026-07-13. Review status: criteria provided, single submitter. Criteria: GeneDx Variant Classification Process June 2021. Collection method: clinical testing. Allele origin: germline.
Comment: Not observed at significant frequency in large population cohorts (gnomAD); In silico analysis supports that this missense variant has a deleterious effect on protein structure/function; Has not been previously published as pathogenic or benign to our knowledge; This substitution is predicted to be in the cytoplasmic loop between the second and third homologous domains.

Labcorp Genetics (formerly Invitae), Labcorp
Classification: Uncertain significance for Seizures, benign familial infantile, 3; Developmental and epileptic encephalopathy, 11. Last evaluated: 2026-01-26. Review status: criteria provided, single submitter. Criteria: Invitae Variant Classification Sherloc (09022015). Collection method: clinical testing. Allele origin: germline.
Comment: This sequence change replaces alanine, which is neutral and non-polar, with aspartic acid, which is acidic and polar, at codon 1169 of the SCN2A protein (p.Ala1169Asp). This variant is not present in population databases (gnomAD no frequency). This variant has not been reported in the literature in individuals affected with SCN2A-related conditions. ClinVar contains an entry for this variant (Variation ID: 2663100). Invitae Evidence Modeling of protein sequence and biophysical properties (such as structural, functional, and spatial information, amino acid conservation, physicochemical variation, residue mobility, and thermodynamic stability) indicates that this missense variant is not expected to disrupt SCN2A protein function with a negative predictive value of 95%. In summary, the available evidence is currently insufficient to determine the role of this variant in disease. Therefore, it has been classified as a Variant of Uncertain Significance.